The following is an entry in ClinVar:

ClinVar aggregate classification (germline): Uncertain significance (1 of 4 stars; one submission).

gnomAD v4.1: 6 of 1,508,654 alleles (0.0004%); highest among the groups gnomAD compares: Middle Eastern, 0.017%; no homozygotes.

Submission:

Labcorp Genetics (formerly Invitae), Labcorp
Classification: Uncertain significance. Last evaluated: 2026-01-11. Review status: criteria provided, single submitter. Criteria: Invitae Variant Classification Sherloc (09022015). Collection method: clinical testing. Allele origin: germline.
Comment: This sequence change affects an acceptor splice site in intron 2 of the GEN1 gene. It is expected to disrupt RNA splicing. Variants that disrupt the donor or acceptor splice site typically lead to a loss of protein function (PMID: 16199547), however the current clinical and genetic evidence is not sufficient to establish whether loss-of-function variants in GEN1 cause disease. This variant is not present in population databases (gnomAD no frequency). This variant has not been reported in the literature in individuals affected with GEN1-related conditions. Algorithms developed to predict the effect of sequence changes on RNA splicing suggest that this variant may disrupt the consensus splice site. In summary, the available evidence is currently insufficient to determine the role of this variant in disease. Therefore, it has been classified as a Variant of Uncertain Significance.

Literature cited by the submitters: PubMed 16199547.

NM_001130009.3(GEN1):c.162-2A>G

Gene: GEN1 (GEN1 structure-specific endonuclease; plus strand). Cytogenetic location: 2p24.2.
Variant type: single nucleotide variant.
Coding change: c.162-2A>G on transcript NM_001130009.3 (MANE Select); the canonical splice acceptor site of the intron before coding-DNA position 162, A replaced by G.
Molecular consequence: splice acceptor variant.
Genome position (GRCh38, 1-based): chr2:17,761,394, A>G. VCF-style: chr2-17761394-A-G. GRCh37 (hg19) VCF-style: chr2-17942661-A-G.
Other names: c.162-2A>G (NM_182625.5).
Identifiers: ClinVar variation 4749475 (VCV004749475.1).
Genomic context (GRCh38, chr2:17,761,394, plus strand): 5'-ACTATTTTGACTTTTACTATCAGTGTTTGATGATTAATGTATTACTAATTTATATATTTC[A>G]GGAACTTATTTTTTCGTATCTCATATTTAACACAAATGGATGTAAAACTGGTATTTGTTA-3'